The following is an entry in ClinVar:

NM_006182.4(DDR2):c.85A>C (p.Ile29Leu)

Gene: DDR2 (discoidin domain receptor tyrosine kinase 2; plus strand). Cytogenetic location: 1q23.3.
Variant type: single nucleotide variant.
Coding change: c.85A>C on transcript NM_006182.4 (MANE Select); coding-DNA position 85, A replaced by C.
Protein change: p.Ile29Leu; replaces isoleucine 29 with leucine.
Molecular consequence: missense variant.
Genome position (GRCh38, 1-based): chr1:162,753,097, A>C. VCF-style: chr1-162753097-A-C. GRCh37 (hg19) VCF-style: chr1-162722887-A-C.
Other names: c.85A>C, p.Ile29Leu (NM_001014796.3, NM_001354982.2, NM_001354983.2); short protein forms I29L.
Identifiers: ClinVar variation 995629 (VCV000995629.8), dbSNP rs775988877, ClinGen allele CA343403963.

ClinVar aggregate classification (germline): Uncertain significance (1 of 4 stars; one submission).

gnomAD v4.1: 1 of 1,613,274 alleles (0.000062%); highest among the groups gnomAD compares: Non-Finnish European, 0.000085%; no homozygotes.

Submission:

ARUP Laboratories, Molecular Genetics and Genomics, ARUP Laboratories
Classification: Uncertain significance. Last evaluated: 2020-01-20. Review status: criteria provided, single submitter. Criteria: ARUP Molecular Germline Variant Investigation Process. Collection method: clinical testing. Allele origin: germline.
Comment: The DDR2 c.85A>C; p.Ile29Leu variant, to our knowledge, is not reported in the medical literature or gene specific databases.This variant is also absent from general population databases (Exome Variant Server, Genome Aggregation Database), indicating it is not a common polymorphism. The isoleucine at codon 29 is weakly conserved, and computational analyses (SIFT, PolyPhen-2) predict that this variant is tolerated. Due to limited information, the clinical significance of the p.Ile29Leu variant is uncertain at this time.